The following is an entry in ClinVar:

ClinVar aggregate classification (germline): Uncertain significance. Review status: criteria provided, multiple submitters, no conflicts (2 of 4 stars). 2 submissions from 2 submitters: Uncertain significance (2). Last evaluated 2025-08-07.

Conditions:
Senior-Loken syndrome 7 (SLSN7). Identifiers: Orphanet 3156, MedGen C3150877, MONDO:0013326, OMIM 613615.
Bardet-Biedl syndrome 16 (BBS16). Identifiers: Orphanet 110, MedGen C3889474, MONDO:0014444, OMIM 615993.
Inborn genetic diseases. Identifiers: MedGen C0950123, MeSH D030342.

Submissions (2):

Ambry Genetics
Classification: Uncertain significance for Inborn genetic diseases. Last evaluated: 2025-08-07. Review status: criteria provided, single submitter. Criteria: Ambry Variant Classification Scheme 2023. Collection method: clinical testing. Allele origin: germline.

Labcorp Genetics (formerly Invitae), Labcorp
Classification: Uncertain significance for Bardet-Biedl syndrome 16; Senior-Loken syndrome 7. Last evaluated: 2022-09-19. Review status: criteria provided, single submitter. Criteria: Invitae Variant Classification Sherloc (09022015). Collection method: clinical testing. Allele origin: germline.
Comment: In summary, the available evidence is currently insufficient to determine the role of this variant in disease. Therefore, it has been classified as a Variant of Uncertain Significance. Advanced modeling of protein sequence and biophysical properties (such as structural, functional, and spatial information, amino acid conservation, physicochemical variation, residue mobility, and thermodynamic stability) performed at Invitae indicates that this missense variant is not expected to disrupt SDCCAG8 protein function. This variant has not been reported in the literature in individuals affected with SDCCAG8-related conditions. This variant is not present in population databases (gnomAD no frequency). This sequence change replaces alanine, which is neutral and non-polar, with glutamic acid, which is acidic and polar, at codon 480 of the SDCCAG8 protein (p.Ala480Glu).

NM_006642.5(SDCCAG8):c.1439C>A (p.Ala480Glu)

Gene: SDCCAG8 (SHH signaling and ciliogenesis regulator SDCCAG8; plus strand). Cytogenetic location: 1q43.
Variant type: single nucleotide variant.
Coding change: c.1439C>A on transcript NM_006642.5 (MANE Select); coding-DNA position 1439, C replaced by A.
Protein change: p.Ala480Glu; replaces alanine 480 with glutamic acid.
Molecular consequence: missense variant.
Genome position (GRCh38, 1-based): chr1:243,344,297, C>A. VCF-style: chr1-243344297-C-A. GRCh37 (hg19) VCF-style: chr1-243507599-C-A.
Other names: c.1439C>A (NM_006642.3); c.536C>A, p.Ala179Glu (NM_001350246.2, NM_001350247.2, NM_001350251.2); c.1535C>A, p.Ala512Glu (NM_001350248.2); c.1145C>A, p.Ala382Glu (NM_001350249.2); short protein forms A382E, A480E, A512E, A179E.
Identifiers: ClinVar variation 2177745 (VCV002177745.5), dbSNP rs750599032, ClinGen allele CA345475986.